The following is an entry in ClinVar:

ClinVar aggregate classification (germline): Uncertain significance (1 of 4 stars; one submission).

Submission:

Labcorp Genetics (formerly Invitae), Labcorp
Classification: Uncertain significance. Last evaluated: 2022-06-26. Review status: criteria provided, single submitter. Criteria: Invitae Variant Classification Sherloc (09022015). Collection method: clinical testing. Allele origin: germline.
Comment: This sequence change replaces alanine, which is neutral and non-polar, with serine, which is neutral and polar, at codon 334 of the TYRP1 protein (p.Ala334Ser). This variant is present in population databases (rs369286365, gnomAD 0.003%). This variant has not been reported in the literature in individuals affected with TYRP1-related conditions. Algorithms developed to predict the effect of missense changes on protein structure and function are either unavailable or do not agree on the potential impact of this missense change (SIFT: "Tolerated"; PolyPhen-2: "Possibly Damaging"; Align-GVGD: "Class C0"). In summary, the available evidence is currently insufficient to determine the role of this variant in disease. Therefore, it has been classified as a Variant of Uncertain Significance.

NM_000550.3(TYRP1):c.1000G>T (p.Ala334Ser)

Genes: LURAP1L-AS1 (LURAP1L antisense RNA 1; minus strand), TYRP1 (tyrosinase related protein 1; plus strand). Cytogenetic location: 9p23.
Variant type: single nucleotide variant.
Coding change: c.1000G>T on transcript NM_000550.3 (MANE Select); coding-DNA position 1000, G replaced by T.
Protein change: p.Ala334Ser; replaces alanine 334 with serine.
Molecular consequence: missense variant.
Genome position (GRCh38, 1-based): chr9:12,702,357, G>T. VCF-style: chr9-12702357-G-T. GRCh37 (hg19) VCF-style: chr9-12702357-G-T.
Other names: short protein forms A334S.
Identifiers: ClinVar variation 2096190 (VCV002096190.1), dbSNP rs369286365, ClinGen allele CA4985402.
Genomic context (GRCh38, chr9:12,702,357, plus strand): 5'-AATCCAGCTGGAAATGTGGCCAGACCAATGGTGCAACGTCTTCCTGAACCACAGGATGTC[G>T]CTCAGTGCTTGGAAGTTGGTTTATTTGACACGCCTCCTTTTTATTCCAACTCTACAAACA-3'
Protein context (NP_000541.1, residues 324-344): VQRLPEPQDV[Ala334Ser]QCLEVGLFDT